The following is an entry in ClinVar:

NM_006904.7(PRKDC):c.1420G>C (p.Val474Leu)

Gene: PRKDC (protein kinase, DNA-activated, catalytic subunit; minus strand). Cytogenetic location: 8q11.21.
Variant type: single nucleotide variant.
Coding change: c.1420G>C on transcript NM_006904.7 (MANE Select); coding-DNA position 1420, G replaced by C.
Protein change: p.Val474Leu; replaces valine 474 with leucine.
Molecular consequence: missense variant.
Genome position (GRCh38, 1-based): chr8:47,935,759, C>G on the plus strand (G>C on the coding strand, the complement: PRKDC is on the minus strand). VCF-style: chr8-47935759-C-G. GRCh37 (hg19) VCF-style: chr8-48848319-C-G.
Other names: c.1420G>C, p.Val474Leu (NM_001081640.2); short protein forms V474L.
Identifiers: ClinVar variation 1772256 (VCV001772256.2), dbSNP rs1459799117, ClinGen allele CA371165714.

ClinVar aggregate classification (germline): Uncertain significance (1 of 4 stars; one submission).

Submission:

Ambry Genetics
Classification: Uncertain significance. Last evaluated: 2022-06-13. Review status: criteria provided, single submitter. Criteria: Ambry Variant Classification Scheme 2023. Collection method: clinical testing. Allele origin: germline.
Comment: The p.V474L variant (also known as c.1420G>C), located in coding exon 13 of the PRKDC gene, results from a G to C substitution at nucleotide position 1420. The valine at codon 474 is replaced by leucine, an amino acid with highly similar properties. This amino acid position is conserved. In addition, this alteration is predicted to be tolerated by in silico analysis. Since supporting evidence is limited at this time, the clinical significance of this alteration remains unclear.